The following is an entry in ClinVar:

NM_000057.4(BLM):c.1891G>T (p.Ala631Ser)

Gene: BLM (BLM RecQ like helicase; plus strand). Cytogenetic location: 15q26.1.
Variant type: single nucleotide variant.
Coding change: c.1891G>T on transcript NM_000057.4 (MANE Select); coding-DNA position 1891, G replaced by T.
Protein change: p.Ala631Ser; replaces alanine 631 with serine.
Molecular consequence: missense variant.
Genome position (GRCh38, 1-based): chr15:90,762,974, G>T. VCF-style: chr15-90762974-G-T. GRCh37 (hg19) VCF-style: chr15-91306204-G-T.
Other names: c.1891G>T, p.Ala631Ser (NM_001287246.2, NM_001287247.2); c.766G>T, p.Ala256Ser (NM_001287248.2); short protein forms A631S, A256S.
Identifiers: ClinVar variation 4746455 (VCV004746455.1).
Genomic context (GRCh38, chr15:90,762,974, plus strand): 5'-ACTTTCACTGTATTCATGTACTGATTTTTCTTAACGTTGATTATTTTCCTAGACAAGTCA[G>T]CACAAAATTTAGCATCCAGAAATCTGAAACATGAGCGTTTCCAAAGTCTTAGTTTTCCTC-3'
Protein context (NP_000048.1, residues 621-641): ESIQNYTDKS[Ala631Ser]QNLASRNLKH

ClinVar aggregate classification (germline): Uncertain significance (1 of 4 stars; one submission).

Conditions:
Bloom syndrome (BLM). Also called: Bloom-Torre-Machacek syndrome. Identifiers: Orphanet 125, MedGen C0005859, MONDO:0008876, OMIM 210900.

Submission:

Labcorp Genetics (formerly Invitae), Labcorp
Classification: Uncertain significance for Bloom syndrome. Last evaluated: 2025-08-30. Review status: criteria provided, single submitter. Criteria: Invitae Variant Classification Sherloc (09022015). Collection method: clinical testing. Allele origin: germline.
Comment: This sequence change replaces alanine, which is neutral and non-polar, with serine, which is neutral and polar, at codon 631 of the BLM protein (p.Ala631Ser). This variant is not present in population databases (gnomAD no frequency). This variant has not been reported in the literature in individuals affected with BLM-related conditions. Invitae Evidence Modeling of protein sequence and biophysical properties (such as structural, functional, and spatial information, amino acid conservation, physicochemical variation, residue mobility, and thermodynamic stability) indicates that this missense variant is not expected to disrupt BLM protein function with a negative predictive value of 80%. In summary, the available evidence is currently insufficient to determine the role of this variant in disease. Therefore, it has been classified as a Variant of Uncertain Significance.